The following is an entry in ClinVar:

NM_005591.4(MRE11):c.358A>T (p.Ile120Phe)

Gene: MRE11 (MRE11 double strand break repair nuclease; minus strand). Cytogenetic location: 11q21.
Variant type: single nucleotide variant.
Coding change: c.358A>T on transcript NM_005591.4 (MANE Select); coding-DNA position 358, A replaced by T.
Protein change: p.Ile120Phe; replaces isoleucine 120 with phenylalanine.
Molecular consequence: missense variant.
Genome position (GRCh38, 1-based): chr11:94,479,718, T>A on the plus strand (A>T on the coding strand, the complement: MRE11 is on the minus strand). VCF-style: chr11-94479718-T-A. GRCh37 (hg19) VCF-style: chr11-94212884-T-A.
Other names: c.358A>T, p.Ile120Phe (NM_001330347.2, NM_005590.4); short protein forms I120F.
Identifiers: ClinVar variation 3912877 (VCV003912877.1).

ClinVar aggregate classification (germline): Uncertain significance (1 of 4 stars; one submission).

Conditions:
Hereditary cancer-predisposing syndrome. Also called: Hereditary Cancer Syndrome; Hereditary neoplastic syndrome; Neoplastic Syndromes, Hereditary; Tumor predisposition. Identifiers: Orphanet 140162, MedGen C0027672, MeSH D009386, MONDO:0015356.

Submission:

Ambry Genetics
Classification: Uncertain significance for Hereditary cancer-predisposing syndrome. Last evaluated: 2025-04-18. Review status: criteria provided, single submitter. Criteria: Ambry Variant Classification Scheme 2023. Collection method: clinical testing. Allele origin: germline.
Comment: The p.I120F variant (also known as c.358A>T), located in coding exon 4 of the MRE11A gene, results from an A to T substitution at nucleotide position 358. The isoleucine at codon 120 is replaced by phenylalanine, an amino acid with highly similar properties. This amino acid position is conserved. In addition, the in silico prediction for this alteration is inconclusive. Based on the available evidence, the clinical significance of this variant remains unclear.